The following is an entry in ClinVar:

NM_201384.3(PLEC):c.3045G>T (p.Pro1015=)

Gene: PLEC (plectin; minus strand). Cytogenetic location: 8q24.3.
Variant type: single nucleotide variant.
Coding change: c.3045G>T on transcript NM_201384.3 (MANE Select); coding-DNA position 3045, G replaced by T.
Protein change: p.Pro1015=; no amino-acid change (proline 1015 retained).
Molecular consequence: synonymous variant.
Genome position (GRCh38, 1-based): chr8:143,929,450, C>A on the plus strand (G>T on the coding strand, the complement: PLEC is on the minus strand). VCF-style: chr8-143929450-C-A. GRCh37 (hg19) VCF-style: chr8-145003618-C-A.
Other names: c.3126G>T, p.Pro1042= (NM_000445.5); c.3003G>T, p.Pro1001= (NM_201378.4); c.2979G>T, p.Pro993= (NM_201379.3); c.3456G>T, p.Pro1152= (NM_201380.4); c.2949G>T, p.Pro983= (NM_201381.3); c.3045G>T, p.Pro1015= (NM_201382.4); c.3057G>T, p.Pro1019= (NM_201383.3).
Identifiers: ClinVar variation 283694 (VCV000283694.18), dbSNP rs368477108, ClinGen allele CA10604562.

ClinVar aggregate classification (germline): Conflicting classifications of pathogenicity. Review status: criteria provided, conflicting classifications (1 of 4 stars). 4 submissions from 4 submitters: Uncertain significance (1); Likely benign (3). Last evaluated 2025-12-01.

Conditions:
Epidermolysis bullosa simplex, Ogna type (EBS5A). Also called: Pidermolysis bullosa simplex 5A, Ogna type; EPIDERMOLYSIS BULLOSA SIMPLEX 5A, OGNA TYPE. Identifiers: Orphanet 79401, MedGen C0432317, MONDO:0007555, OMIM 131950.
Epidermolysis bullosa simplex with nail dystrophy (EBS5D). Identifiers: MedGen C4225309, MONDO:0014661, OMIM 616487.
Autosomal recessive limb-girdle muscular dystrophy type 2Q (LGMDR17). Also called: MUSCULAR DYSTROPHY, LIMB-GIRDLE, AUTOSOMAL RECESSIVE 17. Identifiers: Orphanet 254361, MedGen C3150989, MONDO:0013390, OMIM 613723.
Epidermolysis bullosa simplex 5C, with pyloric atresia (EBS5C). Also called: Epidermolysis bullosa simplex with pyloric atresia; PLEC1-Related Epidermolysis Bullosa with Pyloric Atresia; PLEC-Related Epidermolysis Bullosa with Pyloric Atresia. Identifiers: Orphanet 158684, MedGen C2677349, MONDO:0012807, OMIM 612138.
Epidermolysis bullosa simplex 5B, with muscular dystrophy (EBS5B). Also called: Epidermolysis bullosa simplex with muscular dystrophy; EPIDERMOLYSIS BULLOSA SIMPLEX AND LIMB-GIRDLE MUSCULAR DYSTROPHY. Identifiers: Orphanet 257, MedGen C2931072, MONDO:0009181, OMIM 226670.

gnomAD v4.1: 25 of 1,588,646 alleles (0.0016%); highest among the groups gnomAD compares: Middle Eastern, 0.09%; no homozygotes.

Submissions (4):

CeGaT Center for Human Genetics Tuebingen
Classification: Likely benign. Last evaluated: 2025-12-01. Review status: criteria provided, single submitter. Criteria: CeGaT Center For Human Genetics Tuebingen Variant Classification Criteria Version 2. Collection method: clinical testing. Allele origin: germline. Affected: yes. Observed: 1 variant allele.
Comment: PLEC: BP4, BP7

Labcorp Genetics (formerly Invitae), Labcorp
Classification: Likely benign for Autosomal recessive limb-girdle muscular dystrophy type 2Q; Epidermolysis bullosa simplex, Ogna type; Epidermolysis bullosa simplex with nail dystrophy; Epidermolysis bullosa simplex 5C, with pyloric atresia; Epidermolysis bullosa simplex 5B, with muscular dystrophy. Last evaluated: 2025-01-07. Review status: criteria provided, single submitter. Criteria: Invitae Variant Classification Sherloc (09022015). Collection method: clinical testing. Allele origin: germline.

Blueprint Genetics
Classification: Likely benign. Last evaluated: 2024-10-21. Review status: criteria provided, single submitter. Criteria: ACMG Guidelines, 2015. Collection method: clinical testing. Allele origin: germline.

Eurofins Ntd Llc (ga)
Classification: Uncertain significance. Last evaluated: 2015-10-06. Review status: criteria provided, single submitter. Criteria: EGL Classification Definitions 2015. Collection method: clinical testing. Allele origin: germline. Observed: 1 variant allele, 1 heterozygote.